The following is an entry in ClinVar:

NM_001903.5(CTNNA1):c.1063-5T>G

Gene: CTNNA1 (catenin alpha 1; plus strand). Cytogenetic location: 5q31.2.
Variant type: single nucleotide variant.
Coding change: c.1063-5T>G on transcript NM_001903.5 (MANE Select); 5 bases into the intron before coding-DNA position 1063, T replaced by G.
Molecular consequence: intron variant.
Genome position (GRCh38, 1-based): chr5:138,886,207, T>G. VCF-style: chr5-138886207-T-G. GRCh37 (hg19) VCF-style: chr5-138221896-T-G.
Other names: c.1063-5T>G (NM_001323982.2, NM_001323984.2, NM_001290307.3 and 3 more transcripts); c.694-5T>G (NM_001290310.3); c.754-5T>G (NM_001290309.3); c.-48-5T>G (NM_001323996.1, NM_001323993.1, NM_001324005.1 and 18 more transcripts); c.-445-5T>G (NM_001324007.1, NM_001324009.1, NM_001324006.1 and 1 more transcripts); c.-320-5T>G (NM_001324013.1); c.-58+10610T>G (NM_001324012.1); c.-61+10610T>G (NM_001324010.1).
Identifiers: ClinVar variation 4635391 (VCV004635391.1).

ClinVar aggregate classification (germline): Uncertain significance (1 of 4 stars; one submission).

Conditions:
Hereditary cancer-predisposing syndrome. Also called: Neoplastic Syndromes, Hereditary; Tumor predisposition; Hereditary Cancer Syndrome; Hereditary neoplastic syndrome. Identifiers: Orphanet 140162, MedGen C0027672, MeSH D009386, MONDO:0015356.

Submission:

Ambry Genetics
Classification: Uncertain significance for Hereditary cancer-predisposing syndrome. Last evaluated: 2025-09-26. Review status: criteria provided, single submitter. Criteria: Ambry Variant Classification Scheme 2023. Collection method: clinical testing. Allele origin: germline.
Comment: The c.1063-5T>G intronic variant results from a T to G substitution 5 nucleotides upstream from coding exon 7 in the CTNNA1 gene. This nucleotide position is not well conserved in available vertebrate species. In silico splice site analysis predicts that this alteration will result in the creation or strengthening of a novel splice acceptor site. Based on the available evidence, the clinical significance of this variant remains unclear.